The following is an entry in ClinVar:

NM_016216.4(DBR1):c.389A>G (p.His130Arg)

Gene: DBR1 (debranching RNA lariats 1; minus strand). Cytogenetic location: 3q22.3.
Variant type: single nucleotide variant.
Coding change: c.389A>G on transcript NM_016216.4 (MANE Select); coding-DNA position 389, A replaced by G.
Protein change: p.His130Arg; replaces histidine 130 with arginine.
Molecular consequence: missense variant.
Genome position (GRCh38, 1-based): chr3:138,171,647, T>C on the plus strand (A>G on the coding strand, the complement: DBR1 is on the minus strand). VCF-style: chr3-138171647-T-C. GRCh37 (hg19) VCF-style: chr3-137890489-T-C.
Other names: short protein forms H130R.
Identifiers: ClinVar variation 2135847 (VCV002135847.4), dbSNP rs142840558, ClinGen allele CA2635889.

ClinVar aggregate classification (germline): Uncertain significance (1 of 4 stars; one submission).

Allele frequency attached by ClinVar (database versions not stated): ExAC 0.00002; ESP Exome Variant Server 0.00008.
gnomAD v4.1: 15 of 1,608,820 alleles (0.00093%); highest among the groups gnomAD compares: Non-Finnish European, 0.0013%; no homozygotes.

Submission:

Labcorp Genetics (formerly Invitae), Labcorp
Classification: Uncertain significance. Last evaluated: 2022-05-09. Review status: criteria provided, single submitter. Criteria: Invitae Variant Classification Sherloc (09022015). Collection method: clinical testing. Allele origin: germline.
Comment: In summary, the available evidence is currently insufficient to determine the role of this variant in disease. Therefore, it has been classified as a Variant of Uncertain Significance. Algorithms developed to predict the effect of missense changes on protein structure and function (SIFT, PolyPhen-2, Align-GVGD) all suggest that this variant is likely to be tolerated. This variant has not been reported in the literature in individuals affected with DBR1-related conditions. This variant is present in population databases (rs142840558, gnomAD 0.002%). This sequence change replaces histidine, which is basic and polar, with arginine, which is basic and polar, at codon 130 of the DBR1 protein (p.His130Arg).